The following is an entry in ClinVar:

NM_001394372.1(BICRA):c.1735G>A (p.Ala579Thr)

Gene: BICRA (BRD4 interacting chromatin remodeling complex associated protein; plus strand). Cytogenetic location: 19q13.33.
Variant type: single nucleotide variant.
Coding change: c.1735G>A on transcript NM_001394372.1 (MANE Select); coding-DNA position 1735, G replaced by A.
Protein change: p.Ala579Thr; replaces alanine 579 with threonine.
Molecular consequence: missense variant.
Genome position (GRCh38, 1-based): chr19:47,680,905, G>A. VCF-style: chr19-47680905-G-A. GRCh37 (hg19) VCF-style: chr19-48184162-G-A.
Other names: c.1735G>A, p.Ala579Thr (NM_015711.3); short protein forms A579T.
Identifiers: ClinVar variation 3253377 (VCV003253377.2), dbSNP rs1488520440.

ClinVar aggregate classification (germline): Uncertain significance. Review status: criteria provided, multiple submitters, no conflicts (2 of 4 stars). 2 submissions from 2 submitters: Uncertain significance (2). Last evaluated 2025-09-01.

Allele frequency attached by ClinVar (database versions not stated): gnomAD exomes below 0.00001; gnomAD 0.00001.
gnomAD v4.1: 6 of 1,484,374 alleles (0.0004%); highest among the groups gnomAD compares: East Asian, 0.01%; no homozygotes.

Submissions (2):

Ambry Genetics
Classification: Uncertain significance. Last evaluated: 2025-09-01. Review status: criteria provided, single submitter. Criteria: Ambry Variant Classification Scheme 2023. Collection method: clinical testing. Allele origin: germline.

GeneDx
Classification: Uncertain significance. Last evaluated: 2024-04-25. Review status: criteria provided, single submitter. Criteria: GeneDx Variant Classification Process June 2021. Collection method: clinical testing. Allele origin: germline. Affected: yes.
Comment: Has not been previously published as pathogenic or benign to our knowledge; In silico analysis indicates that this missense variant does not alter protein structure/function